The following is an entry in ClinVar:

ClinVar aggregate classification (germline): Pathogenic/Likely pathogenic. Review status: criteria provided, multiple submitters, no conflicts (2 of 4 stars). 2 submissions from 2 submitters: Pathogenic (1); Likely pathogenic (1). Last evaluated 2020-11-23.

Conditions:
Hereditary von Willebrand disease. Identifiers: Orphanet 903, MedGen C5703318, MONDO:0019565. Inheritance: Autosomal recessive or Autosomal dominant.

Allele frequency attached by ClinVar (database versions not stated): gnomAD exomes below 0.00001.
gnomAD v4.1: 1 of 1,613,764 alleles (0.000062%); highest among the groups gnomAD compares: Non-Finnish European, 0.000085%; no homozygotes.

Submissions (2):

ARUP Laboratories, Molecular Genetics and Genomics, ARUP Laboratories
Classification: Pathogenic. Last evaluated: 2020-11-23. Review status: criteria provided, single submitter. Criteria: ARUP Molecular Germline Variant Investigation Process 2021. Collection method: clinical testing. Allele origin: germline.
Comment: The VWF c.4931G>A; p.Trp1644Ter variant (rs1591862022) is reported in the literature in a homozygous individual affected with a coagulation disorder (Downes 2019). This variant is absent from general population databases (Exome Variant Server, Genome Aggregation Database), indicating it is not a common polymorphism. This variant induces an early termination codon and is predicted to result in a truncated protein or mRNA subject to nonsense-mediated decay. VWF loss-of-function is an established mechanism of disease, and truncating variants downstream of p.Trp1644Ter have been reported in individuals affected with type 3 von Willebrand disease and are considered disease-causing (Kasatkar 2014). Based on available information, the p.Trp1644Ter variant is considered to be pathogenic. References: Downes K et al. Diagnostic high-throughput sequencing of 2396 patients with bleeding, thrombotic, and platelet disorders. Blood. 2019 Dec 5;134(23):2082-2091. Kasatkar P, Shetty S, Ghosh K. Genetic heterogeneity in a large cohort of Indian type 3 von Willebrand disease patients. PLoS One. 2014 Mar 27;9(3):e92575.

NIHR Bioresource Rare Diseases, University of Cambridge
Classification: Likely pathogenic for von Willebrand disorder. Last evaluated: 2019-02-01. Review status: criteria provided, single submitter. Criteria: ACMG Guidelines, 2015. Collection method: research. Allele origin: unknown. Affected: yes. Observed: 1 homozygote. Study: ThromboGenomics.

Literature cited by the submitters: PubMed 31064749 (cited by NIHR Bioresource Rare Diseases, University of Cambridge).

NM_000552.5(VWF):c.4931G>A (p.Trp1644Ter)

Gene: VWF (von Willebrand factor; minus strand). Cytogenetic location: 12p13.31.
Variant type: single nucleotide variant.
Coding change: c.4931G>A on transcript NM_000552.5 (MANE Select); coding-DNA position 4931, G replaced by A.
Protein change: p.Trp1644Ter; replaces tryptophan 1644 with a stop codon.
Molecular consequence: nonsense.
Genome position (GRCh38, 1-based): chr12:6,018,487, C>T on the plus strand (G>A on the coding strand, the complement: VWF is on the minus strand). VCF-style: chr12-6018487-C-T. GRCh37 (hg19) VCF-style: chr12-6127653-C-T.
Other names: short protein forms W1644*.
Identifiers: ClinVar variation 627079 (VCV000627079.9), dbSNP rs1591862022, ClinGen allele CA383498671.
Genomic context (GRCh38, chr12:6,018,487, plus strand): 5'-AGGTCAGGAGCCTCTCGGGGGAGCGTCTCAAAGTCCTGGATGAGGATAGGGGCATTGGGC[C>T]AGCCAATCCTCTCCAGCTCCTGCACGTTGGCATTAGGGCCCACTCCAATGGGCACCACCT-3'